The following continues an entry in ClinVar:

NM_000143.4(FH):c.698G>A (p.Arg233His)

Gene: FH. ClinVar aggregate classification (germline): Pathogenic. Pathogenic (22).

Submissions 9 to 25 of 25:

Women's Health and Genetics/Laboratory Corporation of America, LabCorp
Classification: Pathogenic for Hereditary leiomyomatosis and renal cell cancer. Last evaluated: 2024-03-13. Review status: criteria provided, single submitter. Criteria: LabCorp Variant Classification Summary - May 2015. Collection method: clinical testing. Allele origin: germline.
Comment: Variant summary: FH c.698G>A (p.Arg233His) results in a non-conservative amino acid change located in the Fumarate lyase, N-terminal of the encoded protein sequence. Five of five in-silico tools predict a damaging effect of the variant on protein function. The variant allele was found at a frequency of 1.6e-05 in 251278 control chromosomes. c.698G>A has been reported in the literature in multiple individuals affected with Hereditary Leiomyomatosis And Renal Cell Cancer and Fumarate Hydratase Deficiency and is reported as one of the most common pathogenic variants (examples: Toro_2003, Tomlinson_2002). Experimental evidence has shown this variant to affect protein function (example: Lorenzato_007). Other variants have been reported at this position, suggesting this codon may be a hotspot (p.R233C, p.R233L). The following publications have been ascertained in the context of this evaluation (PMID: 12772087, 11865300, 17960613). ClinVar contains an entry for this variant (Variation ID: 16236). Based on the evidence outlined above, the variant was classified as pathogenic.

CeGaT Center for Human Genetics Tuebingen
Classification: Pathogenic. Last evaluated: 2023-09-01. Review status: criteria provided, single submitter. Criteria: CeGaT Center For Human Genetics Tuebingen Variant Classification Criteria Version 2. Collection method: clinical testing. Allele origin: germline. Affected: yes. Observed: 1 variant allele.
Comment: FH: PS3, PM1, PM5, PP3, PS4:Supporting

Myriad Genetics, Inc.
Classification: Pathogenic for Hereditary leiomyomatosis and renal cell cancer. Last evaluated: 2023-07-05. Review status: criteria provided, single submitter. Criteria: Myriad Autosomal Dominant, Autosomal Recessive and X-Linked Classification Criteria (2023). Collection method: clinical testing. Allele origin: unknown.
Comment: This variant is considered pathogenic. This variant has been reported in multiple individuals with clinical features of gene-specific disease [PMID: 16237213, 33167498, 31831373, 12772087, 15937070, 16151915, 15987702]. Functional studies indicate this variant impacts protein function [PMID: 26237645, 22677546, 17960613, 29456767]. This variant is expected to disrupt protein structure (internal Myriad data).

Centre of Medical Genetics, University Hospital Muenster
Classification: Pathogenic. Last evaluated: 2022-10-18. Review status: criteria provided, single submitter. Criteria: ACMG Guidelines, 2015. Collection method: clinical testing. Allele origin: unknown. Affected: yes. Observed: 1 variant allele, 1 heterozygote.
Comment: ACMG categories: PS5,PM2,PM7,PP3,PP5

Clinical Genetics Laboratory, Skane University Hospital Lund
Classification: Pathogenic. Last evaluated: 2022-07-13. Review status: criteria provided, single submitter. Criteria: ACMG Guidelines, 2015. Collection method: clinical testing. Allele origin: germline. Affected: yes.

GeneDx
Classification: Pathogenic. Last evaluated: 2022-05-05. Review status: criteria provided, single submitter. Criteria: GeneDx Variant Classification Process June 2021. Collection method: clinical testing. Allele origin: germline. Affected: yes.
Comment: Published functional studies demonstrate a damaging effect: impaired fumarase activity (Lorenzato et al., 2008); Not observed at a significant frequency in large population cohorts (gnomAD); In silico analysis supports that this missense variant has a deleterious effect on protein structure/function; Also known as c.569G>A, p.(R190H); This variant is associated with the following publications: (PMID: 23211287, 24117336, 21445611, 18176756, 21733559, 22127509, 15937070, 20618355, 16151915, 15761418, 11865300, 18313410, 12772087, 12761039, 27635946, 27051714, 26380143, 28300276, 28592388, 28748451, 28171700, 28628081, 27382802, 29984275, 34570182, 17960613, 15987702, 16237213, 16597677, 33447692, 32612247, 33167498, 29456767)

Revvity Omics, Revvity
Classification: Pathogenic. Last evaluated: 2021-12-27. Review status: criteria provided, single submitter. Criteria: ACMG Guidelines, 2015. Collection method: clinical testing. Allele origin: germline.

Quest Diagnostics Nichols Institute San Juan Capistrano
Classification: Pathogenic. Last evaluated: 2021-09-30. Review status: criteria provided, single submitter. Criteria: Quest Diagnostics criteria. Collection method: clinical testing. Allele origin: unknown.
Comment: The FH c.698G>A (p.Arg233His, also known as Arg190His) variant has been reported in the published literature in individuals with renal cancer and HLRCC (PMIDs: 22127509 (2012), 21733559 (2011), 20618355 (2011), 18176756 (2008), 15937070 (2006)), and to segregate with disease in one family (PMID: 12772087 (2003)). In addition, experimental studies have shown this variant has deleterious effects on FH protein function (PMIDs: 18313410 (2008), 17960613 (2008), 11865300 (2002)). The frequency of this variant in the general population, 0.000039 (5/129044 chromosomes (Genome Aggregation Database)), is consistent with pathogenicity. Based on the available information, this variant is classified as pathogenic.

MGZ Medical Genetics Center
Classification: Pathogenic for Hereditary leiomyomatosis and renal cell cancer. Last evaluated: 2021-08-24. Review status: criteria provided, single submitter. Criteria: ACMG Guidelines, 2015. Collection method: clinical testing. Allele origin: germline. Affected: yes. Observed: 1 variant allele.
Comment: ACMG criteria applied: PS3, PS4, PM1, PP1_MOD, PM2_SUP

Greenwood Genetic Center Diagnostic Laboratories, Greenwood Genetic Center
Classification: Pathogenic. Last evaluated: 2021-01-28. Review status: criteria provided, single submitter. Criteria: ACMG Guidelines, 2015. Collection method: clinical testing. Allele origin: germline. Affected: yes.
Comment: PS3, PP3, PM1, PM2, PM3

ARUP Laboratories, Molecular Genetics and Genomics, ARUP Laboratories
Classification: Pathogenic. Last evaluated: 2020-01-20. Review status: criteria provided, single submitter. Criteria: ARUP Molecular Germline Variant Investigation Process. Collection method: clinical testing. Allele origin: germline.
Comment: The FH c.698G>A; p.Arg233His variant (rs121913123), also known as Arg190His for legacy nomenclature, is reported in the literature in numerous individuals affected with hereditary leiomyomatosis and renal cell cancer (Gatalica 2011, Kakar 2014, Picaud 2011, Raymond 2012, Sanz-Ortega 2013, Tomlinson 2002, Toro 2003), and shown to co-segregate with disease in a family (Toro 2003). This variant is also reported as pathogenic by multiple laboratories in ClinVar (Variation ID: 16236). It is found in the general population with a low overall allele frequency of 0.002% (5/282680 alleles) in the Genome Aggregation Database. The arginine at codon 233 is highly conserved and is considered a mutational hotspot located in the active site of the fumarate hydratase enzyme (Picaud 2011). Computational analyses (SIFT, PolyPhen-2) predict that this variant is deleterious, and functional analyses show that this variant causes decreased enzymatic activity (Tomlinson 2002). Based on available information, this variant is considered to be pathogenic. REFERENCES Gatalica Z et al. Renal medullary carcinomas: histopathologic phenotype associated with diverse genotypes. Hum Pathol. 2011 Dec;42(12):1979-88. Kakar R et al. Multiple linear leiomyomas of the forehead as the presenting sign of Reed syndrome. Int J Dermatol. 2014 Mar;53(3):316-8. Picaud S et al. Structural basis of fumarate hydratase deficiency. J Inherit Metab Dis. 2011 Jun;34(3):671-6. Raymond VM et al. Familial renal cancer as an indicator of hereditary leiomyomatosis and renal cell cancer syndrome. Fam Cancer. 2012 Mar;11(1):115-21. Sanz-Ortega J et al. Morphologic and molecular characteristics of uterine leiomyomas in hereditary leiomyomatosis and renal cancer (HLRCC) syndrome. Am J Surg Pathol. 2013 Jan;37(1):74-80. Tomlinson IP et al. Germline mutations in FH predispose to dominantly inherited uterine fibroids, skin leiomyomata and papillary renal cell cancer. Nat Genet. 2002 Apr;30(4):406-10. Toro JR et al. Mutations in the fumarate hydratase gene cause hereditary leiomyomatosis and renal cell cancer in families in North America. Am J Hum Genet. 2003 Jul;73(1):95-106.

Eurofins Ntd Llc (ga)
Classification: Pathogenic. Last evaluated: 2018-04-25. Review status: criteria provided, single submitter. Criteria: EGL ClinVar v180209 classification definitions. Collection method: clinical testing. Allele origin: germline. Observed: 16 variant alleles, 16 heterozygotes.

Blueprint Genetics
Classification: Pathogenic for FH-related disorders. Last evaluated: 2017-09-19. Review status: criteria provided, single submitter. Criteria: ACMG Guidelines, 2015. Collection method: clinical testing. Allele origin: germline. Affected: yes. Observed: 1 variant allele.

Genomic Diagnostic Laboratory, Division of Genomic Diagnostics, Children's Hospital of Philadelphia
Classification: Pathogenic for Hereditary leiomyomatosis and renal cell cancer. Last evaluated: 2017-01-17. Review status: criteria provided, single submitter. Criteria: DGD Variant Analysis Guidelines. Collection method: clinical testing. Allele origin: germline. Affected: yes. Observed: 42 variant alleles.
Comment: Clinical Testing

OMIM
Classification: Pathogenic for HEREDITARY LEIOMYOMATOSIS AND RENAL CELL CANCER. Last evaluated: 2006-01-01. Review status: no assertion criteria provided. Collection method: literature only. Allele origin: germline. Not counted in ClinVar's aggregate classification.

Clinical Genetics DNA and cytogenetics Diagnostics Lab, Erasmus MC, Erasmus Medical Center
Classification: Pathogenic. Review status: no assertion criteria provided. Collection method: clinical testing. Allele origin: germline. Affected: yes. Study: VKGL Data-share Consensus. Not counted in ClinVar's aggregate classification.

Joint Genome Diagnostic Labs from Nijmegen and Maastricht, Radboudumc and MUMC+
Classification: Pathogenic. Review status: no assertion criteria provided. Collection method: clinical testing. Allele origin: germline. Affected: yes. Study: VKGL Data-share Consensus. Not counted in ClinVar's aggregate classification.

Literature cited by the submitters: PubMed 11865300 (cited by 4 submitters); PubMed 12772087 (cited by 6 submitters); PubMed 15937070 (cited by 6 submitters); PubMed 20618355 (cited by 3 submitters); PubMed 22127509 (cited by 3 submitters); PubMed 17960613 (cited by 5 submitters); PubMed 18313410 (cited by Labcorp Genetics (formerly Invitae), Labcorp and Quest Diagnostics Nichols Institute San Juan Capistrano); PubMed 21445611 (cited by Labcorp Genetics (formerly Invitae), Labcorp and Quest Diagnostics Nichols Institute San Juan Capistrano); PubMed 18176756 (cited by Ambry Genetics and Quest Diagnostics Nichols Institute San Juan Capistrano); PubMed 21733559 (cited by Ambry Genetics and Quest Diagnostics Nichols Institute San Juan Capistrano); PubMed 15987702 (cited by Natera, Inc. and Myriad Genetics, Inc.); PubMed 33052056 (cited by Natera, Inc.); PubMed 34724198 (cited by Natera, Inc.); PubMed 36777509 (cited by Natera, Inc.); PubMed 16237213 (cited by Myriad Genetics, Inc.); PubMed 33167498 (cited by Myriad Genetics, Inc.); PubMed 31831373 (cited by Myriad Genetics, Inc.); PubMed 16151915 (cited by Myriad Genetics, Inc.); PubMed 26237645 (cited by Myriad Genetics, Inc.); PubMed 22677546 (cited by Myriad Genetics, Inc.); PubMed 29456767 (cited by Myriad Genetics, Inc.).